The following is an entry in ClinVar:

NM_004700.4(KCNQ4):c.823T>C (p.Trp275Arg)

Gene: KCNQ4 (potassium voltage-gated channel subfamily Q member 4; plus strand). Cytogenetic location: 1p34.2.
Variant type: single nucleotide variant.
Coding change: c.823T>C on transcript NM_004700.4 (MANE Select); coding-DNA position 823, T replaced by C.
Protein change: p.Trp275Arg; replaces tryptophan 275 with arginine.
Molecular consequence: missense variant.
Genome position (GRCh38, 1-based): chr1:40,819,461, T>C. VCF-style: chr1-40819461-T-C. GRCh37 (hg19) VCF-style: chr1-41285133-T-C.
Other names: c.823T>C, p.Trp275Arg (NM_172163.3); c.823T>C (NM_004700.3); short protein forms W275R.
Identifiers: ClinVar variation 208368 (VCV000208368.3), dbSNP rs797044968, ClinGen allele CA347395.

ClinVar aggregate classification (germline): Pathogenic. Review status: criteria provided, single submitter (1 of 4 stars). 2 submissions from 2 submitters: Pathogenic (1). 1 of the submissions does not count toward it. Last evaluated 2026-03-20.

Conditions:
Autosomal dominant nonsyndromic hearing loss 2A. Also called: Autosomal dominant nonsyndromic deafness 2A; DFNA2 Nonsyndromic Hearing Loss; Deafness, autosomal dominant 2A. Identifiers: Orphanet 90635, MedGen C2677637, MONDO:0010817, OMIM 600101.

Submissions (2):

GeneDx
Classification: Pathogenic. Last evaluated: 2026-03-20. Review status: criteria provided, single submitter. Criteria: GeneDx Variant Classification Process June 2021. Collection method: clinical testing. Allele origin: germline.
Comment: Not observed at significant frequency in large population cohorts (gnomAD); In silico analysis supports that this missense variant has a deleterious effect on protein structure/function; This variant is associated with the following publications: (PMID: 25116015, 20301388, 31995783, 23717403, 30311386, 36140355)

ClinVar Staff, National Center for Biotechnology Information (NCBI)
Classification: Pathogenic for Autosomal dominant nonsyndromic hearing loss 2A. Last evaluated: 2015-08-20. Review status: no assertion criteria provided. Collection method: literature only. Allele origin: germline. Affected: yes. Not counted in ClinVar's aggregate classification.
Comment: This variant used to be reported in GeneReviews NBK1209.

Literature cited by the submitters: PubMed 25116015 (cited by ClinVar Staff, National Center for Biotechnology Information (NCBI)); PubMed 20301388 (cited by ClinVar Staff, National Center for Biotechnology Information (NCBI)).